The following is an entry in ClinVar:

ClinVar aggregate classification (germline): Likely benign (1 of 4 stars; one submission).

gnomAD v4.1: 8 of 1,599,812 alleles (0.0005%); highest among the groups gnomAD compares: Non-Finnish European, 0.00068%; no homozygotes.

Submission:

CeGaT Center for Human Genetics Tuebingen
Classification: Likely benign. Last evaluated: 2025-06-01. Review status: criteria provided, single submitter. Criteria: CeGaT Center For Human Genetics Tuebingen Variant Classification Criteria Version 2. Collection method: clinical testing. Allele origin: germline. Affected: yes. Observed: 1 variant allele.
Comment: ANKRD27: BP4, BP7

NM_032139.3(ANKRD27):c.2184G>A (p.Ala728=)

Gene: ANKRD27 (ankyrin repeat domain 27; minus strand). Cytogenetic location: 19q13.11.
Variant type: single nucleotide variant.
Coding change: c.2184G>A on transcript NM_032139.3 (MANE Select); coding-DNA position 2184, G replaced by A.
Protein change: p.Ala728=; no amino-acid change (alanine 728 retained).
Molecular consequence: synonymous variant.
Genome position (GRCh38, 1-based): chr19:32,607,824, C>T on the plus strand (G>A on the coding strand, the complement: ANKRD27 is on the minus strand). VCF-style: chr19-32607824-C-T. GRCh37 (hg19) VCF-style: chr19-33098730-C-T.
Identifiers: ClinVar variation 3905336 (VCV003905336.10).